The following is an entry in ClinVar:

NM_002063.4(GLRA2):c.457C>T (p.Arg153Trp)

Gene: GLRA2 (glycine receptor alpha 2; plus strand). Cytogenetic location: Xp22.2.
Variant type: single nucleotide variant.
Coding change: c.457C>T on transcript NM_002063.4 (MANE Select); coding-DNA position 457, C replaced by T.
Protein change: p.Arg153Trp; replaces arginine 153 with tryptophan.
Molecular consequence: missense variant.
Genome position (GRCh38, 1-based): chrX:14,581,369, C>T. VCF-style: chrX-14581369-C-T. GRCh37 (hg19) VCF-style: chrX-14599491-C-T.
Other names: c.457C>T, p.Arg153Trp (NM_001118885.2, NM_001118886.2); c.190C>T, p.Arg64Trp (NM_001171942.2); short protein forms R153W, R64W.
Identifiers: ClinVar variation 3765689 (VCV003765689.1).

ClinVar aggregate classification (germline): Uncertain significance (1 of 4 stars; one submission).

gnomAD v4.1: 3 of 1,198,868 alleles (0.00025%); highest among the groups gnomAD compares: Non-Finnish European, 0.00034%; no homozygotes.

Submission:

Greenwood Genetic Center Diagnostic Laboratories, Greenwood Genetic Center
Classification: Uncertain significance. Last evaluated: 2024-10-03. Review status: criteria provided, single submitter. Criteria: ACMG Guidelines, 2015. Collection method: clinical testing. Allele origin: germline. Affected: yes.
Comment: PM2, PM5, PP3